The following is an entry in ClinVar:

ClinVar aggregate classification (germline): Benign/Likely benign. Review status: criteria provided, multiple submitters, no conflicts (2 of 4 stars). 2 submissions from 2 submitters: Benign (1); Likely benign (1). Last evaluated 2024-10-29.

Conditions:
Prostate cancer, hereditary, 9 (HPC9). Identifiers: Orphanet 1331, MedGen C1970250, MONDO:0012597, OMIM 610997.

Allele frequency attached by ClinVar (database versions not stated): gnomAD exomes below 0.00001.
gnomAD v4.1: 1 of 1,614,176 alleles (0.000062%); highest among the groups gnomAD compares: Non-Finnish European, 0.000085%; no homozygotes.

Submissions (2):

Myriad Genetics, Inc.
Classification: Benign for Prostate cancer, hereditary, 9. Last evaluated: 2024-10-29. Review status: criteria provided, single submitter. Criteria: Myriad Autosomal Dominant, Autosomal Recessive and X-Linked Classification Criteria (2023). Collection method: clinical testing. Allele origin: unknown.
Comment: This variant is considered benign. This variant is a silent/synonymous amino acid change and it is not expected to impact splicing.

Labcorp Genetics (formerly Invitae), Labcorp
Classification: Likely benign. Last evaluated: 2024-03-28. Review status: criteria provided, single submitter. Criteria: Invitae Variant Classification Sherloc (09022015). Collection method: clinical testing. Allele origin: germline.

NM_006361.6(HOXB13):c.402G>C (p.Pro134=)

Gene: HOXB13 (homeobox B13; minus strand). Cytogenetic location: 17q21.32.
Variant type: single nucleotide variant.
Coding change: c.402G>C on transcript NM_006361.6 (MANE Select); coding-DNA position 402, G replaced by C.
Protein change: p.Pro134=; no amino-acid change (proline 134 retained).
Molecular consequence: synonymous variant.
Genome position (GRCh38, 1-based): chr17:48,728,192, C>G on the plus strand (G>C on the coding strand, the complement: HOXB13 is on the minus strand). VCF-style: chr17-48728192-C-G. GRCh37 (hg19) VCF-style: chr17-46805554-C-G.
Identifiers: ClinVar variation 1662704 (VCV001662704.9), dbSNP rs2143072320, ClinGen allele CA500661820.